The following is an entry in ClinVar:

ClinVar aggregate classification (germline): Pathogenic (1 of 4 stars; one submission).

Conditions:
Hereditary spastic paraplegia 11. Also called: Spastic paraplegia, mental retardation and thin corpus callosum; SPASTIC PARAPLEGIA, AUTOSOMAL RECESSIVE, COMPLICATED, WITH THIN CORPUS CALLOSUM; SPASTIC PARAPLEGIA, AUTOSOMAL RECESSIVE, WITH MENTAL IMPAIRMENT AND THIN CORPUS CALLOSUM; Spastic Paraplegia 11; Nakamura Osame syndrome; Autosomal recessive hereditary spastic paraplegia, mental impairment, and thin corpus callosum. Identifiers: Orphanet 2822, MedGen C1858479, MONDO:0011445, OMIM 604360.

Submission:

Labcorp Genetics (formerly Invitae), Labcorp
Classification: Pathogenic for Hereditary spastic paraplegia 11. Last evaluated: 2023-12-26. Review status: criteria provided, single submitter. Criteria: Invitae Variant Classification Sherloc (09022015). Collection method: clinical testing. Allele origin: unknown.
Comment: This variant is a gross deletion of the genomic region encompassing exon(s) 37-39 of the SPG11 gene. While this deletion is not anticipated to lead to nonsense mediated decay, it is expected to disrupt the C-terminus of the protein. A similar copy number variant has been observed in individual(s) with clinical features of hereditary spastic paraplegia (PMID: 19196735, 27071356). In at least one individual the data is consistent with being in trans (on the opposite chromosome) from a pathogenic variant. It has also been observed to segregate with disease in related individuals. For these reasons, this variant has been classified as Pathogenic.

Literature cited by the submitters: PubMed 19196735; PubMed 27071356.

NC_000015.9:g.(?_44856725)_(44858523_?)del

Gene: SPG11 (SPG11 vesicle trafficking associated, spatacsin; minus strand). Cytogenetic location: 15q21.1.
Variant type: Deletion.
Identifiers: ClinVar variation 3243793 (VCV003243793.1).